The following is an entry in ClinVar:

NM_004656.4(BAP1):c.1745C>G (p.Ser582Cys)

Gene: BAP1 (BRCA1 associated deubiquitinase 1; minus strand). Cytogenetic location: 3p21.1.
Variant type: single nucleotide variant.
Coding change: c.1745C>G on transcript NM_004656.4 (MANE Select); coding-DNA position 1745, C replaced by G.
Protein change: p.Ser582Cys; replaces serine 582 with cysteine.
Molecular consequence: missense variant.
Genome position (GRCh38, 1-based): chr3:52,403,283, G>C on the plus strand (C>G on the coding strand, the complement: BAP1 is on the minus strand). VCF-style: chr3-52403283-G-C. GRCh37 (hg19) VCF-style: chr3-52437299-G-C.
Other names: c.1691C>G, p.Ser564Cys (NM_001410772.1); short protein forms S564C, S582C.
Identifiers: ClinVar variation 3477990 (VCV003477990.1).

ClinVar aggregate classification (germline): Uncertain significance (1 of 4 stars; one submission).

Conditions:
Hereditary cancer-predisposing syndrome. Also called: Tumor predisposition; Neoplastic Syndromes, Hereditary; Hereditary neoplastic syndrome; Hereditary Cancer Syndrome. Identifiers: Orphanet 140162, MedGen C0027672, MeSH D009386, MONDO:0015356.

Submission:

Ambry Genetics
Classification: Uncertain significance for Hereditary cancer-predisposing syndrome. Last evaluated: 2024-12-02. Review status: criteria provided, single submitter. Criteria: Ambry Variant Classification Scheme 2023. Collection method: clinical testing. Allele origin: germline.
Comment: The p.S582C variant (also known as c.1745C>G), located in coding exon 14 of the BAP1 gene, results from a C to G substitution at nucleotide position 1745. The serine at codon 582 is replaced by cysteine, an amino acid with dissimilar properties. This amino acid position is conserved. In addition, this alteration is predicted to be tolerated by in silico analysis. Based on the available evidence, the clinical significance of this variant remains unclear.